The following is an entry in ClinVar:

NM_001130438.3(SPTAN1):c.1222-274T>C

Gene: SPTAN1 (spectrin alpha, non-erythrocytic 1; plus strand). Cytogenetic location: 9q34.11.
Variant type: single nucleotide variant.
Coding change: c.1222-274T>C on transcript NM_001130438.3 (MANE Select); 274 bases into the intron before coding-DNA position 1222, T replaced by C.
Molecular consequence: intron variant.
Genome position (GRCh38, 1-based): chr9:128,579,363, T>C. VCF-style: chr9-128579363-T-C. GRCh37 (hg19) VCF-style: chr9-131341642-T-C.
Other names: c.1222-274T>C (NM_001363759.2, NM_003127.4, NM_001363765.2 and 1 more transcripts).
Identifiers: ClinVar variation 680790 (VCV000680790.1), dbSNP rs7031524, ClinGen allele CA200376217.

ClinVar aggregate classification (germline): Benign (1 of 4 stars; one submission).

Allele frequency attached by ClinVar (database versions not stated): TOPMed 0.96757; 1000 Genomes Project 30x 0.96799; gnomAD 0.96928 and 0.97136; 1000 Genomes Project 0.97005.
gnomAD v4.1: 147,988 of 152,298 alleles (97%); highest among the groups gnomAD compares: East Asian, 100%; 72,060 homozygotes.

Submission:

GeneDx
Classification: Benign. Last evaluated: 2018-06-14. Review status: criteria provided, single submitter. Criteria: GeneDx Variant Classification (06012015). Collection method: clinical testing. Allele origin: germline. Affected: yes.
Comment: This variant is considered likely benign or benign based on one or more of the following criteria: it is a conservative change, it occurs at a poorly conserved position in the protein, it is predicted to be benign by multiple in silico algorithms, and/or has population frequency not consistent with disease.